The following is an entry in ClinVar:

ClinVar aggregate classification (germline): Uncertain significance (1 of 4 stars; one submission).

Conditions:
Wilms tumor 1 (WT1). Also called: Wilms tumor, somatic. Identifiers: Orphanet 654, MedGen CN033288, MONDO:0008679, OMIM 194070.
11p partial monosomy syndrome (WAGR). Also called: WAGR Spectrum Disorder; WAGR syndrome; WAGR Complex; CHROMOSOME 11p13 DELETION SYNDROME. Identifiers: Orphanet 893, MedGen C0206115, MONDO:0008681, OMIM 194072.
Frasier syndrome. Identifiers: Orphanet 347, MedGen C0950122, MeSH D052159, MONDO:0007635, OMIM 136680.
Drash syndrome (DDS). Also called: NEPHROPATHY, WILMS TUMOR, AND GENITAL ANOMALIES; WILMS TUMOR AND PSEUDO- OR TRUE HERMAPHRODITISM. Identifiers: Orphanet 220, MedGen C0950121, MONDO:0008682, OMIM 194080.

Submission:

Labcorp Genetics (formerly Invitae), Labcorp
Classification: Uncertain significance for Wilms tumor 1; Drash syndrome; 11p partial monosomy syndrome; Frasier syndrome. Last evaluated: 2022-11-15. Review status: criteria provided, single submitter. Criteria: Invitae Variant Classification Sherloc (09022015). Collection method: clinical testing. Allele origin: germline.
Comment: In summary, the available evidence is currently insufficient to determine the role of this variant in disease. Therefore, it has been classified as a Variant of Uncertain Significance. Experimental studies and prediction algorithms are not available or were not evaluated, and the functional significance of this variant is currently unknown. This variant has not been reported in the literature in individuals affected with WT1-related conditions. This variant is a gross deletion of the genomic region encompassing exon(s) 4-5 of the WT1 gene. This variant would be expected to be in-frame, preserving the integrity of the reading frame.

NC_000011.10:g.(?_32416480)_(32417664_?)del

Gene: WT1 (WT1 transcription factor; minus strand). Cytogenetic location: 11p13.
Variant type: Deletion.
Identifiers: ClinVar variation 833427 (VCV000833427.10).